The following is an entry in ClinVar:

ClinVar aggregate classification (germline): Uncertain significance (1 of 4 stars; one submission).

gnomAD v4.1: 1 of 1,586,004 alleles (0.000063%); highest among the groups gnomAD compares: Non-Finnish European, 0.000086%; no homozygotes.

Submission:

GeneDx
Classification: Uncertain significance. Last evaluated: 2026-03-14. Review status: criteria provided, single submitter. Criteria: GeneDx Variant Classification Process June 2021. Collection method: clinical testing. Allele origin: germline.
Comment: Not observed at significant frequency in large population cohorts (gnomAD); In silico analysis supports that this missense variant has a deleterious effect on protein structure/function; Has not been previously published as pathogenic or benign to our knowledge; This variant is associated with the following publications: (PMID: 18466115)

NM_000548.5(TSC2):c.4987A>G (p.Lys1663Glu)

Gene: TSC2 (TSC complex subunit 2; plus strand). Cytogenetic location: 16p13.3.
Variant type: single nucleotide variant.
Coding change: c.4987A>G on transcript NM_000548.5 (MANE Select); coding-DNA position 4987, A replaced by G.
Protein change: p.Lys1663Glu; replaces lysine 1663 with glutamic acid.
Molecular consequence: missense variant. On other transcripts: non-coding transcript variant (5).
Genome position (GRCh38, 1-based): chr16:2,086,869, A>G. VCF-style: chr16-2086869-A-G. GRCh37 (hg19) VCF-style: chr16-2136870-A-G.
Other names: c.4786A>G, p.Lys1596Glu (NM_001077183.3); c.4918A>G, p.Lys1640Glu (NM_001114382.3); c.4678A>G, p.Lys1560Glu (NM_001318827.2); c.4642A>G, p.Lys1548Glu (NM_001318829.2); c.4255A>G, p.Lys1419Glu (NM_001318831.2); c.4819A>G, p.Lys1607Glu (NM_001318832.2); c.4789A>G, p.Lys1597Glu (NM_001363528.2); c.4855A>G, p.Lys1619Glu (NM_001370404.1); and 26 more; short protein forms K1171E, K1419E, K1548E, K1577E, K1597E, K1619E, K1620E, K1627E.
Identifiers: ClinVar variation 5009017 (VCV005009017.1).